The following is an entry in ClinVar:

NM_004385.5(VCAN):c.4844C>T (p.Thr1615Ile)

Genes: VCAN (versican; plus strand), VCAN-AS1 (VCAN antisense RNA 1; minus strand). Cytogenetic location: 5q14.3.
Variant type: single nucleotide variant.
Coding change: c.4844C>T on transcript NM_004385.5 (MANE Select); coding-DNA position 4844, C replaced by T.
Protein change: p.Thr1615Ile; replaces threonine 1615 with isoleucine.
Molecular consequence: missense variant. On other transcripts: intron variant (2).
Genome position (GRCh38, 1-based): chr5:83,537,847, C>T. VCF-style: chr5-83537847-C-T. GRCh37 (hg19) VCF-style: chr5-82833666-C-T.
Other names: c.1883C>T, p.Thr628Ile (NM_001164097.2); c.4004-7690C>T (NM_001164098.2); c.1043-7690C>T (NM_001126336.3); short protein forms T1615I, T628I.
Identifiers: ClinVar variation 1494438 (VCV001494438.6), dbSNP rs1278108656, ClinGen allele CA360309119.

ClinVar aggregate classification (germline): Uncertain significance (1 of 4 stars; one submission).

Allele frequency attached by ClinVar (database versions not stated): gnomAD exomes below 0.00001; gnomAD 0.00001.
gnomAD v4.1: 1 of 1,613,812 alleles (0.000062%); highest among the groups gnomAD compares: Admixed American, 0.0017%; no homozygotes.

Submission:

Labcorp Genetics (formerly Invitae), Labcorp
Classification: Uncertain significance. Last evaluated: 2022-10-13. Review status: criteria provided, single submitter. Criteria: Invitae Variant Classification Sherloc (09022015). Collection method: clinical testing. Allele origin: germline.
Comment: This variant is present in population databases (no rsID available, gnomAD 0.0009%). This sequence change replaces threonine, which is neutral and polar, with isoleucine, which is neutral and non-polar, at codon 1615 of the VCAN protein (p.Thr1615Ile). This variant has not been reported in the literature in individuals affected with VCAN-related conditions. In summary, the available evidence is currently insufficient to determine the role of this variant in disease. Therefore, it has been classified as a Variant of Uncertain Significance. Algorithms developed to predict the effect of missense changes on protein structure and function are either unavailable or do not agree on the potential impact of this missense change (SIFT: "Deleterious"; PolyPhen-2: "Benign"; Align-GVGD: "Class C65"). ClinVar contains an entry for this variant (Variation ID: 1494438).